The following is an entry in ClinVar:

NM_001365088.1(SLC12A6):c.844A>G (p.Met282Val)

Gene: SLC12A6 (solute carrier family 12 member 6; minus strand). Cytogenetic location: 15q14.
Variant type: single nucleotide variant.
Coding change: c.844A>G on transcript NM_001365088.1 (MANE Select); coding-DNA position 844, A replaced by G.
Protein change: p.Met282Val; replaces methionine 282 with valine.
Molecular consequence: missense variant.
Genome position (GRCh38, 1-based): chr15:34,255,294, T>C on the plus strand (A>G on the coding strand, the complement: SLC12A6 is on the minus strand). VCF-style: chr15-34255294-T-C. GRCh37 (hg19) VCF-style: chr15-34547495-T-C.
Other names: c.691A>G, p.Met231Val (NM_005135.2); c.667A>G, p.Met223Val (NM_001042494.2, NM_001042495.2); c.817A>G, p.Met273Val (NM_001042496.2); c.799A>G, p.Met267Val (NM_001042497.2); c.844A>G, p.Met282Val (NM_133647.2); short protein forms M223V, M231V, M267V, M273V, M282V.
Identifiers: ClinVar variation 3628683 (VCV003628683.2).

ClinVar aggregate classification (germline): Uncertain significance (1 of 4 stars; one submission).

Submission:

Labcorp Genetics (formerly Invitae), Labcorp
Classification: Uncertain significance. Last evaluated: 2024-06-11. Review status: criteria provided, single submitter. Criteria: Invitae Variant Classification Sherloc (09022015). Collection method: clinical testing. Allele origin: germline.
Comment: This sequence change replaces methionine, which is neutral and non-polar, with valine, which is neutral and non-polar, at codon 282 of the SLC12A6 protein (p.Met282Val). This variant is not present in population databases (gnomAD no frequency). This variant has not been reported in the literature in individuals affected with SLC12A6-related conditions. Advanced modeling of protein sequence and biophysical properties (such as structural, functional, and spatial information, amino acid conservation, physicochemical variation, residue mobility, and thermodynamic stability) performed at Invitae indicates that this missense variant is expected to disrupt SLC12A6 protein function with a positive predictive value of 80%. In summary, the available evidence is currently insufficient to determine the role of this variant in disease. Therefore, it has been classified as a Variant of Uncertain Significance.